The following is an entry in ClinVar:

NM_138477.4(CDAN1):c.2009T>C (p.Val670Ala)

Gene: CDAN1 (codanin 1; minus strand). Cytogenetic location: 15q15.2.
Variant type: single nucleotide variant.
Coding change: c.2009T>C on transcript NM_138477.4 (MANE Select); coding-DNA position 2009, T replaced by C.
Protein change: p.Val670Ala; replaces valine 670 with alanine.
Molecular consequence: missense variant.
Genome position (GRCh38, 1-based): chr15:42,730,763, A>G on the plus strand (T>C on the coding strand, the complement: CDAN1 is on the minus strand). VCF-style: chr15-42730763-A-G. GRCh37 (hg19) VCF-style: chr15-43022961-A-G.
Other names: short protein forms V670A.
Identifiers: ClinVar variation 4698358 (VCV004698358.1).

ClinVar aggregate classification (germline): Uncertain significance (1 of 4 stars; one submission).

Submission:

Labcorp Genetics (formerly Invitae), Labcorp
Classification: Uncertain significance. Last evaluated: 2026-01-18. Review status: criteria provided, single submitter. Criteria: Invitae Variant Classification Sherloc (09022015). Collection method: clinical testing. Allele origin: germline.
Comment: This sequence change replaces valine, which is neutral and non-polar, with alanine, which is neutral and non-polar, at codon 670 of the CDAN1 protein (p.Val670Ala). This variant is not present in population databases (gnomAD no frequency). This variant has not been reported in the literature in individuals affected with CDAN1-related conditions. An algorithm developed to predict the effect of missense changes on protein structure and function (PolyPhen-2) suggests that this variant is likely to be disruptive. In summary, the available evidence is currently insufficient to determine the role of this variant in disease. Therefore, it has been classified as a Variant of Uncertain Significance.